The following is an entry in ClinVar:

ClinVar aggregate classification (germline): Uncertain significance (1 of 4 stars; one submission).

Conditions:
Menkes kinky-hair syndrome (MNK). Also called: Classic Menkes Disease; Copper transport disease; Menkes Disease. Identifiers: Orphanet 565, MedGen C0022716, MONDO:0010651, OMIM 309400.
X-linked distal spinal muscular atrophy type 3. Also called: NEURONOPATHY, DISTAL HEREDITARY MOTOR, X-LINKED; NEUROPATHY, DISTAL HEREDITARY MOTOR, X-LINKED; ATP7A-Related Distal Motor Neuropathy; SPINAL MUSCULAR ATROPHY, DISTAL, X-LINKED RECESSIVE. Identifiers: Orphanet 139557, MedGen C1845359, MONDO:0010338, OMIM 300489.
Cutis laxa, X-linked (OHS). Also called: EDS IX; Occipital horn syndrome. Identifiers: Orphanet 198, MedGen C0268353, MONDO:0010572, OMIM 304150.

Submission:

Labcorp Genetics (formerly Invitae), Labcorp
Classification: Uncertain significance for X-linked distal spinal muscular atrophy type 3; Cutis laxa, X-linked; Menkes kinky-hair syndrome. Last evaluated: 2021-08-27. Review status: criteria provided, single submitter. Criteria: Invitae Variant Classification Sherloc (09022015). Collection method: clinical testing. Allele origin: germline.
Comment: This sequence change replaces glycine with arginine at codon 433 of the ATP7A protein (p.Gly433Arg). The glycine residue is weakly conserved and there is a moderate physicochemical difference between glycine and arginine. This variant is not present in population databases (ExAC no frequency). This variant has not been reported in the literature in individuals affected with ATP7A-related conditions. Advanced modeling of protein sequence and biophysical properties (such as structural, functional, and spatial information, amino acid conservation, physicochemical variation, residue mobility, and thermodynamic stability) performed at Invitae indicates that this missense variant is not expected to disrupt ATP7A protein function. In summary, the available evidence is currently insufficient to determine the role of this variant in disease. Therefore, it has been classified as a Variant of Uncertain Significance.

NM_000052.7(ATP7A):c.1297G>A (p.Gly433Arg)

Gene: ATP7A (ATPase copper transporting alpha; plus strand). Cytogenetic location: Xq21.1.
Variant type: single nucleotide variant.
Coding change: c.1297G>A on transcript NM_000052.7 (MANE Select); coding-DNA position 1297, G replaced by A.
Protein change: p.Gly433Arg; replaces glycine 433 with arginine.
Molecular consequence: missense variant.
Genome position (GRCh38, 1-based): chrX:77,989,919, G>A. VCF-style: chrX-77989919-G-A. GRCh37 (hg19) VCF-style: chrX-77245415-G-A.
Other names: c.1297G>A, p.Gly433Arg (NM_001282224.2); short protein forms G433R.
Identifiers: ClinVar variation 1947834 (VCV001947834.2), dbSNP rs2522295430, ClinGen allele CA413602233.